The following is an entry in ClinVar:

ClinVar aggregate classification (germline): Pathogenic (1 of 4 stars; one submission).

Conditions:
Bethlem myopathy 1A. Also called: MYOPATHY, BENIGN CONGENITAL, WITH CONTRACTURES; Bethlem myopathy 1; Bethlem Muscular Dystrophy. Identifiers: Orphanet 610, MedGen CN029274, MONDO:0024530, OMIM 158810.

Submission:

Labcorp Genetics (formerly Invitae), Labcorp
Classification: Pathogenic for Bethlem myopathy 1A. Last evaluated: 2022-08-09. Review status: criteria provided, single submitter. Criteria: Invitae Variant Classification Sherloc (09022015). Collection method: clinical testing. Allele origin: germline.
Comment: This sequence change creates a premature translational stop signal (p.Thr104Alafs*47) in the COL6A1 gene. It is expected to result in an absent or disrupted protein product. Loss-of-function variants in COL6A1 are known to be pathogenic (PMID: 19884007, 20976770). For these reasons, this variant has been classified as Pathogenic. This variant has not been reported in the literature in individuals affected with COL6A1-related conditions. This variant is not present in population databases (gnomAD no frequency).

Literature cited by the submitters: PubMed 19884007; PubMed 20976770.

NM_001848.3(COL6A1):c.310_311del (p.Thr104fs)

Gene: COL6A1 (collagen type VI alpha 1 chain; plus strand). Cytogenetic location: 21q22.3.
Variant type: Deletion.
Coding change: c.310_311del on transcript NM_001848.3 (MANE Select); coding-DNA positions 310 to 311, 2 bases deleted (AC; older notation c.310_311delAC).
Protein change: p.Thr104fs; shifts the reading frame from threonine 104.
Molecular consequence: frameshift variant.
Genome position (GRCh38, 1-based): chr21:45,984,351-45,984,352, AC deleted; deleting any 2 consecutive bases within chr21:45,984,350-45,984,352 gives the same sequence; the c. name uses the placement nearest the transcript's 3' end. VCF-style (leftmost placement, unchanged base first): chr21-45984349-TCA-T. GRCh37 (hg19) VCF-style: chr21-47404263-TCA-T.
Other names: short protein forms T104fs.
Identifiers: ClinVar variation 2023299 (VCV002023299.4), dbSNP rs1300848371, ClinGen allele CA749824189.